The following is an entry in ClinVar:

ClinVar aggregate classification (germline): Uncertain significance (1 of 4 stars; one submission).

Conditions:
Inborn genetic diseases. Identifiers: MedGen C0950123, MeSH D030342.

Submission:

Ambry Genetics
Classification: Uncertain significance for Inborn genetic diseases. Last evaluated: 2024-11-23. Review status: criteria provided, single submitter. Criteria: Ambry Variant Classification Scheme 2023. Collection method: clinical testing. Allele origin: germline.
Comment: The p.E681V variant (also known as c.2042A>T), located in coding exon 1 of the SAMD9 gene, results from an A to T substitution at nucleotide position 2042. The glutamic acid at codon 681 is replaced by valine, an amino acid with dissimilar properties. This amino acid position is conserved. In addition, this alteration is predicted to be tolerated by in silico analysis. Based on the available evidence, the clinical significance of this variant remains unclear.

NM_017654.4(SAMD9):c.2042A>T (p.Glu681Val)

Gene: SAMD9 (sterile alpha motif domain containing 9; minus strand). Cytogenetic location: 7q21.2.
Variant type: single nucleotide variant.
Coding change: c.2042A>T on transcript NM_017654.4 (MANE Select); coding-DNA position 2042, A replaced by T.
Protein change: p.Glu681Val; replaces glutamic acid 681 with valine.
Molecular consequence: missense variant.
Genome position (GRCh38, 1-based): chr7:93,104,056, T>A on the plus strand (A>T on the coding strand, the complement: SAMD9 is on the minus strand). VCF-style: chr7-93104056-T-A. GRCh37 (hg19) VCF-style: chr7-92733369-T-A.
Other names: c.2042A>T, p.Glu681Val (NM_001193307.2); short protein forms E681V.
Identifiers: ClinVar variation 3437027 (VCV003437027.1).